The following is an entry in ClinVar:

ClinVar aggregate classification (germline): Uncertain significance (1 of 4 stars; one submission).

Conditions:
Cardiovascular phenotype. Identifiers: MedGen CN230736.

Submission:

Ambry Genetics
Classification: Uncertain significance for Cardiovascular phenotype. Last evaluated: 2026-03-07. Review status: criteria provided, single submitter. Criteria: Ambry Variant Classification Scheme 2023. Collection method: clinical testing. Allele origin: germline.
Comment: The p.A155G variant (also known as c.464C>G), located in coding exon 4 of the PRDM5 gene, results from a C to G substitution at nucleotide position 464. The alanine at codon 155 is replaced by glycine, an amino acid with similar properties. This amino acid position is conserved. In addition, this alteration is predicted to be tolerated by in silico analysis. Based on the available evidence, the clinical significance of this variant remains unclear.

NM_018699.4(PRDM5):c.464C>G (p.Ala155Gly)

Gene: PRDM5 (PR/SET domain 5; minus strand). Cytogenetic location: 4q27.
Variant type: single nucleotide variant.
Coding change: c.464C>G on transcript NM_018699.4 (MANE Select); coding-DNA position 464, C replaced by G.
Protein change: p.Ala155Gly; replaces alanine 155 with glycine.
Molecular consequence: missense variant.
Genome position (GRCh38, 1-based): chr4:120,821,182, G>C on the plus strand (C>G on the coding strand, the complement: PRDM5 is on the minus strand). VCF-style: chr4-120821182-G-C. GRCh37 (hg19) VCF-style: chr4-121742337-G-C.
Other names: c.464C>G, p.Ala155Gly (NM_001300823.2, NM_001300824.2, NM_001379104.1 and 1 more transcripts); short protein forms A155G.
Identifiers: ClinVar variation 4826531 (VCV004826531.1).